The following is an entry in ClinVar:

ClinVar aggregate classification (germline): Uncertain significance (1 of 4 stars; one submission).

Conditions:
Autosomal dominant polycystic kidney disease. Identifiers: Orphanet 730, MedGen C0085413, MONDO:0004691.

gnomAD v4.1: 1 of 1,614,044 alleles (0.000062%); highest among the groups gnomAD compares: Non-Finnish European, 0.000085%; no homozygotes.

Submission:

Labcorp Genetics (formerly Invitae), Labcorp
Classification: Uncertain significance for Autosomal dominant polycystic kidney disease. Last evaluated: 2025-08-11. Review status: criteria provided, single submitter. Criteria: Invitae Variant Classification Sherloc (09022015). Collection method: clinical testing. Allele origin: germline.
Comment: This sequence change replaces asparagine, which is neutral and polar, with serine, which is neutral and polar, at codon 412 of the PKD2 protein (p.Asn412Ser). This variant is not present in population databases (gnomAD no frequency). This variant has not been reported in the literature in individuals affected with PKD2-related conditions. Invitae Evidence Modeling of protein sequence and biophysical properties (such as structural, functional, and spatial information, amino acid conservation, physicochemical variation, residue mobility, and thermodynamic stability) indicates that this missense variant is not expected to disrupt PKD2 protein function with a negative predictive value of 80%. In summary, the available evidence is currently insufficient to determine the role of this variant in disease. Therefore, it has been classified as a Variant of Uncertain Significance.

NM_000297.4(PKD2):c.1235A>G (p.Asn412Ser)

Gene: PKD2 (polycystin 2, transient receptor potential cation channel; plus strand). Cytogenetic location: 4q22.1.
Variant type: single nucleotide variant.
Coding change: c.1235A>G on transcript NM_000297.4 (MANE Select); coding-DNA position 1235, A replaced by G.
Protein change: p.Asn412Ser; replaces asparagine 412 with serine.
Molecular consequence: missense variant. On other transcripts: non-coding transcript variant (1), intron variant (1).
Genome position (GRCh38, 1-based): chr4:88,043,373, A>G. VCF-style: chr4-88043373-A-G. GRCh37 (hg19) VCF-style: chr4-88964525-A-G.
Other names: c.1095-3269A>G (NM_001440544.1); short protein forms N412S.
Identifiers: ClinVar variation 4806453 (VCV004806453.1).